The following is an entry in ClinVar:

NM_138927.4(SON):c.4594A>G (p.Ile1532Val)

Gene: SON (SON DNA and RNA binding protein; plus strand). Cytogenetic location: 21q22.11.
Variant type: single nucleotide variant.
Coding change: c.4594A>G on transcript NM_138927.4 (MANE Select); coding-DNA position 4594, A replaced by G.
Protein change: p.Ile1532Val; replaces isoleucine 1532 with valine.
Molecular consequence: missense variant. On other transcripts: non-coding transcript variant (1), intron variant (1).
Genome position (GRCh38, 1-based): chr21:33,553,825, A>G. VCF-style: chr21-33553825-A-G. GRCh37 (hg19) VCF-style: chr21-34926131-A-G.
Other names: c.4594A>G, p.Ile1532Val (NM_001291411.2, NM_001412133.1, NM_032195.3 and 2 more transcripts); c.245-3331A>G (NM_001291412.3); short protein forms I1532V.
Identifiers: ClinVar variation 1954011 (VCV001954011.5), dbSNP rs1446850045, ClinGen allele CA410162958.

ClinVar aggregate classification (germline): Uncertain significance (1 of 4 stars; one submission).

Allele frequency attached by ClinVar (database versions not stated): gnomAD exomes 0.00001; TOPMed 0.00001.
gnomAD v4.1: 3 of 1,613,966 alleles (0.00019%); highest among the groups gnomAD compares: Non-Finnish European, 0.00025%; no homozygotes.

Submission:

Labcorp Genetics (formerly Invitae), Labcorp
Classification: Uncertain significance. Last evaluated: 2025-02-03. Review status: criteria provided, single submitter. Criteria: Invitae Variant Classification Sherloc (09022015). Collection method: clinical testing. Allele origin: germline.
Comment: This sequence change replaces isoleucine, which is neutral and non-polar, with valine, which is neutral and non-polar, at codon 1532 of the SON protein (p.Ile1532Val). This variant is present in population databases (no rsID available, gnomAD 0.0009%). This variant has not been reported in the literature in individuals affected with SON-related conditions. ClinVar contains an entry for this variant (Variation ID: 1954011). An algorithm developed to predict the effect of missense changes on protein structure and function outputs the following: PolyPhen-2: "Benign". The valine amino acid residue is found in multiple mammalian species, which suggests that this missense change does not adversely affect protein function. In summary, the available evidence is currently insufficient to determine the role of this variant in disease. Therefore, it has been classified as a Variant of Uncertain Significance.